The following is an entry in ClinVar:

ClinVar aggregate classification (germline): Uncertain significance (1 of 4 stars; one submission).

Conditions:
Hereditary cancer-predisposing syndrome. Also called: Hereditary Cancer Syndrome; Hereditary neoplastic syndrome; Neoplastic Syndromes, Hereditary; Tumor predisposition. Identifiers: Orphanet 140162, MedGen C0027672, MeSH D009386, MONDO:0015356.

Submission:

Ambry Genetics
Classification: Uncertain significance for Hereditary cancer-predisposing syndrome. Last evaluated: 2021-06-10. Review status: criteria provided, single submitter. Criteria: Ambry Variant Classification Scheme 2023. Collection method: clinical testing. Allele origin: germline.
Comment: The p.Y141F variant (also known as c.422A>T), located in coding exon 4 of the SDHA gene, results from an A to T substitution at nucleotide position 422. The tyrosine at codon 141 is replaced by phenylalanine, an amino acid with highly similar properties. This amino acid position is highly conserved in available vertebrate species. In addition, the in silico prediction for this alteration is inconclusive. Since supporting evidence is limited at this time, the clinical significance of this alteration remains unclear.

NM_004168.4(SDHA):c.422A>T (p.Tyr141Phe)

Gene: SDHA (succinate dehydrogenase complex flavoprotein subunit A; plus strand). Cytogenetic location: 5p15.33.
Variant type: single nucleotide variant.
Coding change: c.422A>T on transcript NM_004168.4 (MANE Select); coding-DNA position 422, A replaced by T.
Protein change: p.Tyr141Phe; replaces tyrosine 141 with phenylalanine.
Molecular consequence: missense variant. On other transcripts: intron variant (1).
Genome position (GRCh38, 1-based): chr5:225,528, A>T. VCF-style: chr5-225528-A-T. GRCh37 (hg19) VCF-style: chr5-225643-A-T.
Other names: c.422A>T, p.Tyr141Phe (NM_001330758.2); c.313-355A>T (NM_001294332.2); short protein forms Y141F.
Identifiers: ClinVar variation 1738881 (VCV001738881.2), dbSNP rs1377816261, ClinGen allele CA359009583.
Genomic context (GRCh38, chr5:225,528, plus strand): 5'-GGCATTTCTACGACACCGTGAAGGGCTCCGACTGGCTGGGGGACCAGGATGCCATCCACT[A>T]CATGACGGAGCAGGCCCCCGCCGCCGTGGTCGAGGTGATGGGCGGGAGGCTCTGGGTGTT-3'
Protein context (NP_004159.2, residues 131-151): DWLGDQDAIH[Tyr141Phe]MTEQAPAAVV